The following is an entry in ClinVar:

NM_000548.5(TSC2):c.4349C>A (p.Pro1450His)

Gene: TSC2 (TSC complex subunit 2; plus strand). Cytogenetic location: 16p13.3.
Variant type: single nucleotide variant.
Coding change: c.4349C>A on transcript NM_000548.5 (MANE Select); coding-DNA position 4349, C replaced by A.
Protein change: p.Pro1450His; replaces proline 1450 with histidine.
Molecular consequence: missense variant.
Genome position (GRCh38, 1-based): chr16:2,084,571, C>A. VCF-style: chr16-2084571-C-A. GRCh37 (hg19) VCF-style: chr16-2134572-C-A.
Other names: c.4148C>A, p.Pro1383His (NM_001077183.3); c.4280C>A, p.Pro1427His (NM_001114382.3); c.4040C>A, p.Pro1347His (NM_001318827.2); c.4004C>A, p.Pro1335His (NM_001318829.2); c.3617C>A, p.Pro1206His (NM_001318831.2); c.4181C>A, p.Pro1394His (NM_001318832.2); c.4151C>A, p.Pro1384His (NM_001363528.2); c.4217C>A, p.Pro1406His (NM_001370404.1); and 1 more; short protein forms P1335H, P1206H, P1407H, P1384H, P1394H, P1406H, P1427H, P1450H.
Identifiers: ClinVar variation 849515 (VCV000849515.16), dbSNP rs45517338, ClinGen allele CA394301560.
Genomic context (GRCh38, chr16:2,084,571, plus strand): 5'-GGTCGGCCTCGGGCGAAGACAGTCGGGGCCAGCCCGAGGGTCCCTTGCCTTCCAGCTCCC[C>A]CCGCTCGCCCAGTGGCCTCCGGCCCCGAGGTTACACCATCTCCGACTCGGCCCCATCACG-3'
Protein context (NP_000539.2, residues 1440-1460): QPEGPLPSSS[Pro1450His]RSPSGLRPRG

ClinVar aggregate classification (germline): Uncertain significance. Review status: criteria provided, multiple submitters, no conflicts (2 of 4 stars). 4 submissions from 4 submitters: Uncertain significance (4). Last evaluated 2024-11-18.

Conditions:
Tuberous sclerosis syndrome (TSC). Also called: Tuberous Sclerosis Complex; Tuberous sclerosis. Identifiers: Orphanet 805, MedGen C0041341, MONDO:0001734.
Tuberous sclerosis 2 (TSC2). Identifiers: Orphanet 805, MedGen C1860707, MONDO:0013199, OMIM 613254.
Hereditary cancer-predisposing syndrome. Also called: Neoplastic Syndromes, Hereditary; Hereditary Cancer Syndrome; Hereditary neoplastic syndrome; Tumor predisposition. Identifiers: Orphanet 140162, MedGen C0027672, MeSH D009386, MONDO:0015356.

Allele frequency attached by ClinVar (database versions not stated): TOPMed 0.00002.

Submissions (4):

Labcorp Genetics (formerly Invitae), Labcorp
Classification: Uncertain significance for Tuberous sclerosis 2. Last evaluated: 2024-11-18. Review status: criteria provided, single submitter. Criteria: Invitae Variant Classification Sherloc (09022015). Collection method: clinical testing. Allele origin: germline.
Comment: This sequence change replaces proline, which is neutral and non-polar, with histidine, which is basic and polar, at codon 1450 of the TSC2 protein (p.Pro1450His). This variant is not present in population databases (gnomAD no frequency). This variant has not been reported in the literature in individuals affected with TSC2-related conditions. ClinVar contains an entry for this variant (Variation ID: 849515). Invitae Evidence Modeling of protein sequence and biophysical properties (such as structural, functional, and spatial information, amino acid conservation, physicochemical variation, residue mobility, and thermodynamic stability) indicates that this missense variant is not expected to disrupt TSC2 protein function with a negative predictive value of 95%. In summary, the available evidence is currently insufficient to determine the role of this variant in disease. Therefore, it has been classified as a Variant of Uncertain Significance.

All of Us Research Program, National Institutes of Health
Classification: Uncertain significance for Tuberous sclerosis syndrome. Last evaluated: 2024-08-30. Review status: criteria provided, single submitter. Criteria: ACMG Guidelines, 2015. Collection method: clinical testing. Allele origin: germline. Inheritance: Autosomal dominant inheritance. Observed: 3 variant alleles, 3 heterozygotes.
Comment: This missense variant replaces proline with histidine at codon 1450 of the TSC2 protein. Computational prediction is inconclusive regarding the impact of this variant on protein structure and function (internally defined REVEL score threshold 0.5 < inconclusive < 0.7, PMID: 27666373). To our knowledge, functional studies have not been reported for this variant. This variant has not been reported in individuals affected with tuberous sclerosis complex in the literature. This variant has not been identified in the general population by the Genome Aggregation Database (gnomAD). The available evidence is insufficient to determine the role of this variant in disease conclusively. Therefore, this variant is classified as a Variant of Uncertain Significance.

This study involves interpretation of variants in research participants for the purpose of population health screening. Participant phenotype was not available at the time of variant classification. Additional details can be found in publication PMID: 35346344, PMCID: PMC8962531

Ambry Genetics
Classification: Uncertain significance for Hereditary cancer-predisposing syndrome. Last evaluated: 2024-04-11. Review status: criteria provided, single submitter. Criteria: Ambry Variant Classification Scheme 2023. Collection method: clinical testing. Allele origin: germline.
Comment: The p.P1450H variant (also known as c.4349C>A), located in coding exon 33 of the TSC2 gene, results from a C to A substitution at nucleotide position 4349. The proline at codon 1450 is replaced by histidine, an amino acid with similar properties. This amino acid position is highly conserved in available vertebrate species. In addition, this alteration is predicted to be deleterious by in silico analysis. Since supporting evidence is limited at this time, the clinical significance of this alteration remains unclear.

GeneDx
Classification: Uncertain significance. Last evaluated: 2022-12-28. Review status: criteria provided, single submitter. Criteria: GeneDx Variant Classification Process June 2021. Collection method: clinical testing. Allele origin: germline. Affected: yes.
Comment: Not observed at significant frequency in large population cohorts (gnomAD); In silico analysis supports that this missense variant has a deleterious effect on protein structure/function; Has not been previously published as pathogenic or benign to our knowledge

Literature cited by the submitters: PubMed 34070849 (cited by Ambry Genetics).